The following is an entry in ClinVar:

ClinVar aggregate classification (germline): Conflicting classifications of pathogenicity. Review status: criteria provided, conflicting classifications (1 of 4 stars). 2 submissions from 2 submitters: Likely pathogenic (1); Uncertain significance (1). Last evaluated 2024-11-30.

Conditions:
Charcot-Marie-Tooth disease type 2. Also called: Charcot-Marie-Tooth type 2. Identifiers: Orphanet 64746, MedGen C0270914, MONDO:0018993.

Submissions (2):

Labcorp Genetics (formerly Invitae), Labcorp
Classification: Uncertain significance for Charcot-Marie-Tooth disease type 2. Last evaluated: 2024-11-30. Review status: criteria provided, single submitter. Criteria: Invitae Variant Classification Sherloc (09022015). Collection method: clinical testing. Allele origin: germline.
Comment: This sequence change replaces glutamic acid, which is acidic and polar, with aspartic acid, which is acidic and polar, at codon 84 of the LMNA protein (p.Glu84Asp). This variant is not present in population databases (gnomAD no frequency). This variant has not been reported in the literature in individuals affected with LMNA-related conditions. ClinVar contains an entry for this variant (Variation ID: 200929). Invitae Evidence Modeling of protein sequence and biophysical properties (such as structural, functional, and spatial information, amino acid conservation, physicochemical variation, residue mobility, and thermodynamic stability) indicates that this missense variant is expected to disrupt LMNA protein function with a positive predictive value of 95%. In summary, the available evidence is currently insufficient to determine the role of this variant in disease. Therefore, it has been classified as a Variant of Uncertain Significance.

GeneDx
Classification: Likely pathogenic. Last evaluated: 2014-08-20. Review status: criteria provided, single submitter. Criteria: GeneDx Variant Classification (06012015). Collection method: clinical testing. Allele origin: germline. Affected: yes.
Comment: p.Glu84Asp (GAG>GAC): c.252 G>C in exon 1 of the LMNA gene (NM_170707.2). Mutations in the LMNA gene have been reported in up to 10% of patients with autosomal dominant familial dilated cardiomyopathy with conduction defects (Muschke P et al., 2007) and have been associated with several disorders of striated muscle, nerve, adipose, and vascular tissue, collectively referred to as the laminopathies (Hershberger R et al., 2009). An E84D variant that is likely pathogenic was identified in the LMNA gene. It has not been published as a mutation, nor has it been reported as a benign polymorphism to our knowledge. The E84D variant was not observed in approximately 6,500 individuals of European and African American ancestry in the NHLBI Exome Sequencing Project, indicating it is not a common benign variant in these populations. The E84D variant is a conservative amino acid substitution, which is not likely to impact secondary protein structure as these residues share similar properties. However, this substitution occurs at a position that is conserved across species. In silico analysis predicts this variant is probably damaging to the protein structure/function. Missense mutations in the same residue (E84K) and at nearby residues (E82K, L85R) have been reported in association with cardiomyopathy, supporting the functional importance of this residue and region of the protein.Therefore, this variant is a strong candidate for a pathogenic mutation, however the possibility that it is a benign variant cannot be excluded. The variant is found in CARDIOMYOPATHY panel(s).

NM_170707.4(LMNA):c.252G>C (p.Glu84Asp)

Gene: LMNA (lamin A/C; plus strand). Cytogenetic location: 1q22.
Variant type: single nucleotide variant.
Coding change: c.252G>C on transcript NM_170707.4 (MANE Select); coding-DNA position 252, G replaced by C.
Protein change: p.Glu84Asp; replaces glutamic acid 84 with aspartic acid.
Molecular consequence: missense variant.
Genome position (GRCh38, 1-based): chr1:156,115,170, G>C. VCF-style: chr1-156115170-G-C. GRCh37 (hg19) VCF-style: chr1-156084961-G-C.
Other names: p.E84D:GAG>GAC; c.252G>C, p.Glu84Asp (NM_001282625.2, NM_001282626.2, NM_005572.4 and 1 more transcripts); short protein forms E84D.
Identifiers: ClinVar variation 200929 (VCV000200929.7), dbSNP rs794728586, ClinGen allele CA017807.